The following is an entry in ClinVar:

ClinVar aggregate classification (germline): Uncertain significance. Review status: criteria provided, multiple submitters, no conflicts (2 of 4 stars). 2 submissions from 2 submitters: Uncertain significance (2). Last evaluated 2026-05-05.

Conditions:
MYH14-related disorder. Also called: MYH14-related condition.

gnomAD v4.1: 93 of 1,573,046 alleles (0.0059%); highest among the groups gnomAD compares: Middle Eastern, 0.019%; no homozygotes.

Submissions (2):

PreventionGenetics, part of Exact Sciences
Classification: Uncertain significance for MYH14-related condition. Last evaluated: 2026-05-05. Review status: criteria provided, single submitter. Criteria: ACMG Guidelines, 2015. Collection method: clinical testing. Allele origin: germline.
Comment: The MYH14 c.3305G>A variant is predicted to result in the amino acid substitution p.Arg1102Gln. To our knowledge, this variant has not been reported in the literature. This variant is reported in 0.011% of alleles in individuals of European (Non-Finnish) descent in gnomAD. Although we suspect that this variant may be benign, at this time, the clinical significance of this variant is uncertain due to the absence of conclusive functional and genetic evidence.

Labcorp Genetics (formerly Invitae), Labcorp
Classification: Uncertain significance. Last evaluated: 2025-12-01. Review status: criteria provided, single submitter. Criteria: Invitae Variant Classification Sherloc (09022015). Collection method: clinical testing. Allele origin: germline.
Comment: This sequence change replaces arginine, which is basic and polar, with glutamine, which is neutral and polar, at codon 1061 of the MYH14 protein (p.Arg1061Gln). The frequency data for this variant in the population databases is considered unreliable, as metrics indicate poor data quality at this position in the gnomAD database. This variant has not been reported in the literature in individuals affected with MYH14-related conditions. Invitae Evidence Modeling of protein sequence and biophysical properties (such as structural, functional, and spatial information, amino acid conservation, physicochemical variation, residue mobility, and thermodynamic stability) indicates that this missense variant is not expected to disrupt MYH14 protein function with a negative predictive value of 80%. In summary, the available evidence is currently insufficient to determine the role of this variant in disease. Therefore, it has been classified as a Variant of Uncertain Significance.

NM_001145809.2(MYH14):c.3305G>A (p.Arg1102Gln)

Gene: MYH14 (myosin heavy chain 14; plus strand). Cytogenetic location: 19q13.33.
Variant type: single nucleotide variant.
Coding change: c.3305G>A on transcript NM_001145809.2 (MANE Select); coding-DNA position 3305, G replaced by A.
Protein change: p.Arg1102Gln; replaces arginine 1102 with glutamine.
Molecular consequence: missense variant.
Genome position (GRCh38, 1-based): chr19:50,272,569, G>A. VCF-style: chr19-50272569-G-A. GRCh37 (hg19) VCF-style: chr19-50775826-G-A.
Other names: c.3206G>A, p.Arg1069Gln (NM_001077186.2); c.3182G>A, p.Arg1061Gln (NM_024729.4); c.3305G>A (NM_001145809.1); short protein forms R1061Q, R1069Q, R1102Q.
Identifiers: ClinVar variation 4748483 (VCV004748483.2).